The following is an entry in ClinVar:

NM_015267.4(CUX2):c.3958G>A (p.Glu1320Lys)

Gene: CUX2 (cut like homeobox 2; plus strand). Cytogenetic location: 12q24.12.
Variant type: single nucleotide variant.
Coding change: c.3958G>A on transcript NM_015267.4 (MANE Select); coding-DNA position 3958, G replaced by A.
Protein change: p.Glu1320Lys; replaces glutamic acid 1320 with lysine.
Molecular consequence: missense variant.
Genome position (GRCh38, 1-based): chr12:111,347,822, G>A. VCF-style: chr12-111347822-G-A. GRCh37 (hg19) VCF-style: chr12-111785626-G-A.
Other names: c.3772G>A, p.Glu1258Lys (NM_001370598.1); short protein forms E1258K, E1320K.
Identifiers: ClinVar variation 4534507 (VCV004534507.6).

ClinVar aggregate classification (germline): Likely benign (1 of 4 stars; one submission).

gnomAD v4.1: 15 of 1,614,086 alleles (0.00093%); highest among the groups gnomAD compares: Admixed American, 0.01%; no homozygotes.

Submission:

CeGaT Center for Human Genetics Tuebingen
Classification: Likely benign. Last evaluated: 2025-11-01. Review status: criteria provided, single submitter. Criteria: CeGaT Center For Human Genetics Tuebingen Variant Classification Criteria Version 2. Collection method: clinical testing. Allele origin: germline. Affected: yes. Observed: 1 variant allele.
Comment: CUX2: BP4